The following is an entry in ClinVar:

ClinVar aggregate classification (germline): Pathogenic (1 of 4 stars; one submission).

Conditions:
Wilson disease (WND). Also called: Wilson's disease. Identifiers: Orphanet 905, MedGen C0019202, MONDO:0010200, OMIM 277900. Disease mechanism: loss of function.

Submission:

Labcorp Genetics (formerly Invitae), Labcorp
Classification: Pathogenic for Wilson disease. Last evaluated: 2018-10-18. Review status: criteria provided, single submitter. Criteria: Invitae Variant Classification Sherloc (09022015). Collection method: clinical testing. Allele origin: germline.
Comment: For these reasons, this variant has been classified as Pathogenic. This variant disrupts amino acid residues encoded by exons 13-14 of ATP7B. Other variant(s) that disrupt this region (p.Ala1003Thr,¬†p.His1069Gln) have been determined to be pathogenic (PMID: 21610751, 12885331, 2679931,¬†Invitae), suggesting that it is a clinically significant region. Experimental studies and prediction algorithms are not available for this variant, and the functional significance of the affected amino acid(s) is currently unknown. This variant has not been reported in the literature in individuals with ATP7B-related disease. This variant is an in-frame deletion of the genomic region encompassing exons 13-14 of the ATP7B gene. It preserves the integrity of the reading frame.

Literature cited by the submitters: PubMed 21610751; PubMed 12885331; PubMed 2679931.

NC_000013.11:g.(?_51944089)_(51946498_?)del

Genes: ATP7B (ATPase copper transporting beta; minus strand), LOC130009836 (ATAC-STARR-seq lymphoblastoid active region 7783; plus strand), LOC130009837 (ATAC-STARR-seq lymphoblastoid active region 7784; plus strand). Cytogenetic location: 13q14.3.
Variant type: Deletion.
Identifiers: ClinVar variation 654667 (VCV000654667.8).